The following is an entry in ClinVar:

NM_001184.4(ATR):c.5614C>T (p.Pro1872Ser)

Gene: ATR (ATR checkpoint kinase; minus strand). Cytogenetic location: 3q23.
Variant type: single nucleotide variant.
Coding change: c.5614C>T on transcript NM_001184.4 (MANE Select); coding-DNA position 5614, C replaced by T.
Protein change: p.Pro1872Ser; replaces proline 1872 with serine.
Molecular consequence: missense variant.
Genome position (GRCh38, 1-based): chr3:142,497,137, G>A on the plus strand (C>T on the coding strand, the complement: ATR is on the minus strand). VCF-style: chr3-142497137-G-A. GRCh37 (hg19) VCF-style: chr3-142215979-G-A.
Other names: c.5422C>T, p.Pro1808Ser (NM_001354579.2); short protein forms P1808S, P1872S.
Identifiers: ClinVar variation 2614079 (VCV002614079.2), dbSNP rs766051038, ClinGen allele CA354814873.

ClinVar aggregate classification (germline): Uncertain significance (1 of 4 stars; one submission).

Conditions:
Inborn genetic diseases. Identifiers: MedGen C0950123, MeSH D030342.

Submission:

Ambry Genetics
Classification: Uncertain significance for Inborn genetic diseases. Last evaluated: 2023-08-29. Review status: criteria provided, single submitter. Criteria: Ambry Variant Classification Scheme 2023. Collection method: clinical testing. Allele origin: germline.
Comment: The p.P1872S variant (also known as c.5614C>T), located in coding exon 33 of the ATR gene, results from a C to T substitution at nucleotide position 5614. The proline at codon 1872 is replaced by serine, an amino acid with similar properties. This amino acid position is conserved. In addition, this alteration is predicted to be tolerated by in silico analysis. Since supporting evidence is limited at this time, the clinical significance of this alteration remains unclear.